The following is an entry in ClinVar:

ClinVar aggregate classification (germline): Likely benign. Review status: criteria provided, multiple submitters, no conflicts (2 of 4 stars). 5 submissions from 5 submitters: Likely benign (4). 1 of the submissions does not count toward it. Last evaluated 2024-12-20.

Conditions:
Breast and/or ovarian cancer. Identifiers: MedGen CN221562.
Hereditary cancer-predisposing syndrome. Also called: Hereditary Cancer Syndrome; Hereditary neoplastic syndrome; Neoplastic Syndromes, Hereditary; Tumor predisposition. Identifiers: Orphanet 140162, MedGen C0027672, MeSH D009386, MONDO:0015356.
Familial cancer of breast. Also called: hereditary breast carcinoma; BREAST CANCER, FAMILIAL; Hereditary breast cancer. Identifiers: Orphanet 227535, MedGen C0346153, MONDO:0016419, OMIM 114480. Disease mechanism: loss of function.
Hereditary breast ovarian cancer syndrome. Also called: BRCA1- and BRCA2-Associated Hereditary Breast and Ovarian Cancer; Hereditary breast and ovarian cancer syndrome; Hereditary breast and ovarian cancer syndrome (HBOC); Breast and ovarian cancer; Hereditary breast and/or ovarian cancer syndrome; Hereditary breast and ovarian cancer. Identifiers: Orphanet 145, MedGen C0677776, MeSH D061325, MONDO:0003582. Disease mechanism: loss of function.

Submissions (6):

Labcorp Genetics (formerly Invitae), Labcorp
Classification: Likely benign for Hereditary breast ovarian cancer syndrome. Last evaluated: 2024-12-20. Review status: criteria provided, single submitter. Criteria: Invitae Variant Classification Sherloc (09022015). Collection method: clinical testing. Allele origin: germline.

CHEO Genetics Diagnostic Laboratory, Children's Hospital of Eastern Ontario
Classification: Likely benign for Breast and/or ovarian cancer. Last evaluated: 2022-12-16. Review status: criteria provided, single submitter. Criteria: ACMG Guidelines, 2015. Collection method: clinical testing. Allele origin: germline.

Ambry Genetics
Classification: Likely benign for Hereditary cancer-predisposing syndrome. Last evaluated: 2021-10-26. Review status: criteria provided, single submitter. Criteria: Ambry Variant Classification Scheme 2023. Collection method: clinical testing. Allele origin: germline.

GeneDx
Classification: Likely benign. Last evaluated: 2017-05-19. Review status: criteria provided, single submitter. Criteria: GeneDx Variant Classification (06012015). Collection method: clinical testing. Allele origin: germline. Affected: yes.
Comment: This variant is considered likely benign or benign based on one or more of the following criteria: it is a conservative change, it occurs at a poorly conserved position in the protein, it is predicted to be benign by multiple in silico algorithms, and/or has population frequency not consistent with disease.

Brotman Baty Institute, University of Washington
No classification provided (evidence only). Condition: Breast-ovarian cancer, familial 1. Review status: no classification provided. Collection method: in vitro. Allele origin: not applicable. Functional consequence: functionally_normal. Not counted in ClinVar's aggregate classification.
ClinVar note: "not provided" was previously submitted as the classification for the variant. However, the classification appeared to be based only on an observation of functional data so it was converted to no classification on 2025-07-30.

ClinVar Staff, National Center for Biotechnology Information (NCBI)
No classification provided. Condition: Familial cancer of breast. Review status: no classification provided. Collection method: literature only. Allele origin: germline. Affected: yes. Not counted in ClinVar's aggregate classification.

Literature cited by the submitters: PubMed 17922413 (cited by ClinVar Staff, National Center for Biotechnology Information (NCBI)).

NM_007294.4(BRCA1):c.5075-4G>A

Gene: BRCA1 (BRCA1 DNA repair associated; minus strand). Cytogenetic location: 17q21.31.
Variant type: single nucleotide variant.
Coding change: c.5075-4G>A on transcript NM_007294.4 (MANE Select); 4 bases into the intron before coding-DNA position 5075, G replaced by A.
Molecular consequence: intron variant.
Genome position (GRCh38, 1-based): chr17:43,063,955, C>T on the plus strand (G>A on the coding strand, the complement: BRCA1 is on the minus strand). VCF-style: chr17-43063955-C-T. GRCh37 (hg19) VCF-style: chr17-41215972-C-T.
Other names: c.1622-4G>A (NM_001408458.1, NM_001408461.1, NM_001408464.1 and 7 more transcripts); c.4184-4G>A (NM_001407967.1); c.4694-4G>A (NM_001407959.1); c.4808-4G>A (NM_001407931.1, NM_001407932.1, NM_001407928.1 and 4 more transcripts); c.4931-4G>A (NM_001407747.1, NM_001407745.1, NM_001407737.1 and 21 more transcripts); c.4691-4G>A (NM_001407962.1, NM_001407960.1); c.1262-4G>A (NM_001408512.1); c.1385-4G>A (NM_001408510.1); and 73 more.
Identifiers: ClinVar variation 55381 (VCV000055381.16), dbSNP rs397509220, ClinGen allele CA003210.
Genomic context (GRCh38, chr17:43,063,955, plus strand): 5'-TTCCTCCCGCAATTCCTAGAAAATATTTCAGTGTCCGTTCACACACAAACTCAGCATCTG[C>T]AGAATGAAAAACACTCAAAGGATTAGAAGTTGAAAACAAAATCAGGAAGTGCTGTCCTAA-3'